The following is an entry in ClinVar:

NM_201384.3(PLEC):c.8917T>G (p.Cys2973Gly)

Gene: PLEC (plectin; minus strand). Cytogenetic location: 8q24.3.
Variant type: single nucleotide variant.
Coding change: c.8917T>G on transcript NM_201384.3 (MANE Select); coding-DNA position 8917, T replaced by G.
Protein change: p.Cys2973Gly; replaces cysteine 2973 with glycine.
Molecular consequence: missense variant.
Genome position (GRCh38, 1-based): chr8:143,920,904, A>C on the plus strand (T>G on the coding strand, the complement: PLEC is on the minus strand). VCF-style: chr8-143920904-A-C. GRCh37 (hg19) VCF-style: chr8-144995072-A-C.
Other names: c.8998T>G, p.Cys3000Gly (NM_000445.5); c.5617T>G, p.Cys1873Gly (NM_001410941.1); c.8875T>G, p.Cys2959Gly (NM_201378.4); c.8851T>G, p.Cys2951Gly (NM_201379.3); c.9328T>G, p.Cys3110Gly (NM_201380.4); c.8821T>G, p.Cys2941Gly (NM_201381.3); c.8917T>G, p.Cys2973Gly (NM_201382.4); c.8929T>G, p.Cys2977Gly (NM_201383.3); short protein forms C1873G, C2941G, C2951G, C2959G, C2973G, C2977G, C3000G, C3110G.
Identifiers: ClinVar variation 1721259 (VCV001721259.6), dbSNP rs1822413294, ClinGen allele CA372514878.

ClinVar aggregate classification (germline): Uncertain significance (1 of 4 stars; one submission).

Conditions:
Autosomal recessive limb-girdle muscular dystrophy type 2Q (LGMDR17). Also called: MUSCULAR DYSTROPHY, LIMB-GIRDLE, AUTOSOMAL RECESSIVE 17. Identifiers: Orphanet 254361, MedGen C3150989, MONDO:0013390, OMIM 613723.
Epidermolysis bullosa simplex with nail dystrophy (EBS5D). Identifiers: MedGen C4225309, MONDO:0014661, OMIM 616487.
Epidermolysis bullosa simplex, Ogna type (EBS5A). Also called: Pidermolysis bullosa simplex 5A, Ogna type; EPIDERMOLYSIS BULLOSA SIMPLEX 5A, OGNA TYPE. Identifiers: Orphanet 79401, MedGen C0432317, MONDO:0007555, OMIM 131950.
Epidermolysis bullosa simplex 5B, with muscular dystrophy (EBS5B). Also called: Epidermolysis bullosa simplex with muscular dystrophy; EPIDERMOLYSIS BULLOSA SIMPLEX AND LIMB-GIRDLE MUSCULAR DYSTROPHY. Identifiers: Orphanet 257, MedGen C2931072, MONDO:0009181, OMIM 226670.
Epidermolysis bullosa simplex 5C, with pyloric atresia (EBS5C). Also called: PLEC-Related Epidermolysis Bullosa with Pyloric Atresia; Epidermolysis bullosa simplex with pyloric atresia; PLEC1-Related Epidermolysis Bullosa with Pyloric Atresia. Identifiers: Orphanet 158684, MedGen C2677349, MONDO:0012807, OMIM 612138.

Submission:

Labcorp Genetics (formerly Invitae), Labcorp
Classification: Uncertain significance for Autosomal recessive limb-girdle muscular dystrophy type 2Q; Epidermolysis bullosa simplex, Ogna type; Epidermolysis bullosa simplex with nail dystrophy; Epidermolysis bullosa simplex 5C, with pyloric atresia; Epidermolysis bullosa simplex 5B, with muscular dystrophy. Last evaluated: 2022-10-08. Review status: criteria provided, single submitter. Criteria: Invitae Variant Classification Sherloc (09022015). Collection method: clinical testing. Allele origin: germline.
Comment: In summary, the available evidence is currently insufficient to determine the role of this variant in disease. Therefore, it has been classified as a Variant of Uncertain Significance. Advanced modeling of protein sequence and biophysical properties (such as structural, functional, and spatial information, amino acid conservation, physicochemical variation, residue mobility, and thermodynamic stability) performed at Invitae indicates that this missense variant is not expected to disrupt PLEC protein function. This variant has not been reported in the literature in individuals affected with PLEC-related conditions. This variant is not present in population databases (gnomAD no frequency). This sequence change replaces cysteine, which is neutral and slightly polar, with glycine, which is neutral and non-polar, at codon 3000 of the PLEC protein (p.Cys3000Gly).